The following is an entry in ClinVar:

ClinVar aggregate classification (germline): Likely benign (0 of 4 stars; one submission).

Conditions:
PCNT-related disorder. Also called: PCNT-related condition.

gnomAD v4.1: 1 of 1,614,204 alleles (0.000062%); no homozygotes.

Submission:

PreventionGenetics, part of Exact Sciences
Classification: Likely benign for PCNT-related condition. Last evaluated: 2024-04-10. Review status: no assertion criteria provided. Collection method: clinical testing. Allele origin: germline.
Comment: This variant is classified as likely benign based on ACMG/AMP sequence variant interpretation guidelines (Richards et al. 2015 PMID: 25741868, with internal and published modifications).

NM_006031.6(PCNT):c.2292G>A (p.Glu764=)

Gene: PCNT (pericentrin; plus strand). Cytogenetic location: 21q22.3.
Variant type: single nucleotide variant.
Coding change: c.2292G>A on transcript NM_006031.6 (MANE Select); coding-DNA position 2292, G replaced by A.
Protein change: p.Glu764=; no amino-acid change (glutamic acid 764 retained).
Molecular consequence: synonymous variant.
Genome position (GRCh38, 1-based): chr21:46,363,617, G>A. VCF-style: chr21-46363617-G-A. GRCh37 (hg19) VCF-style: chr21-47783532-G-A.
Other names: c.1938G>A, p.Glu646= (NM_001315529.2).
Identifiers: ClinVar variation 3347412 (VCV003347412.1).